The following is an entry in ClinVar:

ClinVar aggregate classification (germline): Uncertain significance (1 of 4 stars; one submission).

Conditions:
Early-infantile DEE. Also called: Early infantile epileptic encephalopathy with suppression bursts; Early infantile epileptic encephalopathy; Ohtahara syndrome. Identifiers: Orphanet 1934, MedGen C0393706, MONDO:0800491.

Submission:

Labcorp Genetics (formerly Invitae), Labcorp
Classification: Uncertain significance for Early-infantile DEE. Last evaluated: 2022-10-10. Review status: criteria provided, single submitter. Criteria: Invitae Variant Classification Sherloc (09022015). Collection method: clinical testing. Allele origin: germline.
Comment: This variant results in the deletion of part of exon 1 (c.-189_221del) of the HCN1 gene. It is expected to result in an absent or disrupted protein product. However, the current clinical and genetic evidence is not sufficient to establish whether loss-of-function variants in HCN1 cause disease. This variant is not present in population databases (gnomAD no frequency). This variant has not been reported in the literature in individuals affected with HCN1-related conditions. ClinVar contains an entry for this variant (Variation ID: 646929). Experimental studies and prediction algorithms are not available or were not evaluated, and the functional significance of this variant is currently unknown. In summary, the available evidence is currently insufficient to determine the role of this variant in disease. Therefore, it has been classified as a Variant of Uncertain Significance.

NM_021072.4(HCN1):c.-189_221del (p.Met1fs)

Gene: HCN1 (hyperpolarization activated cyclic nucleotide gated potassium channel 1; minus strand). Cytogenetic location: 5p12.
Variant type: Deletion.
Coding change: c.-189_221del on transcript NM_021072.4 (MANE Select); 189 bases upstream of the start codon through coding-DNA position 221, 410 bases deleted.
Protein change: p.Met1fs; shifts the reading frame from methionine 1.
Molecular consequence: frameshift variant, initiator codon variant.
Genome position (GRCh38, 1-based): chr5:45,695,873-45,696,282, 410 bases deleted. GRCh37 (hg19): chr5:45,695,988-45,696,397.
Other names: short protein forms M1fs.
Identifiers: ClinVar variation 646929 (VCV000646929.8), dbSNP rs1580055165, ClinGen allele CA915943355.